The following is an entry in ClinVar:

ClinVar aggregate classification (germline): Benign/Likely benign. Review status: criteria provided, multiple submitters, no conflicts (2 of 4 stars). 4 submissions from 4 submitters: Benign (1); Likely benign (3). Last evaluated 2026-01-27.

Allele frequency attached by ClinVar (database versions not stated): gnomAD 0.00006 and 0.00038; TOPMed 0.00009; gnomAD exomes 0.00044 and 0.00079; ExAC 0.00100; 1000 Genomes Project 0.00220; 1000 Genomes Project 30x 0.00234.
gnomAD v4.1: 709 of 1,613,964 alleles (0.044%); highest among the groups gnomAD compares: South Asian, 0.66%; 7 homozygotes.

Submissions (4):

Labcorp Genetics (formerly Invitae), Labcorp
Classification: Benign. Last evaluated: 2026-01-27. Review status: criteria provided, single submitter. Criteria: Invitae Variant Classification Sherloc (09022015). Collection method: clinical testing. Allele origin: germline.

CeGaT Center for Human Genetics Tuebingen
Classification: Likely benign. Last evaluated: 2025-03-01. Review status: criteria provided, single submitter. Criteria: CeGaT Center For Human Genetics Tuebingen Variant Classification Criteria Version 2. Collection method: clinical testing. Allele origin: germline. Affected: yes. Observed: 2 variant alleles.
Comment: SLC1A4: BP4, BP7

Blueprint Genetics
Classification: Likely benign. Last evaluated: 2024-11-22. Review status: criteria provided, single submitter. Criteria: ACMG Guidelines, 2015. Collection method: clinical testing. Allele origin: germline.

Genetic Services Laboratory, University of Chicago
Classification: Likely benign. Last evaluated: 2017-12-07. Review status: criteria provided, single submitter. Criteria: ACMG Guidelines, 2015. Collection method: clinical testing. Allele origin: germline. Affected: no.

NM_003038.5(SLC1A4):c.765C>T (p.Asn255=)

Gene: SLC1A4 (solute carrier family 1 member 4; plus strand). Cytogenetic location: 2p14.
Variant type: single nucleotide variant.
Coding change: c.765C>T on transcript NM_003038.5 (MANE Select); coding-DNA position 765, C replaced by T.
Protein change: p.Asn255=; no amino-acid change (asparagine 255 retained).
Molecular consequence: synonymous variant.
Genome position (GRCh38, 1-based): chr2:65,010,728, C>T. VCF-style: chr2-65010728-C-T. GRCh37 (hg19) VCF-style: chr2-65237862-C-T.
Other names: c.105C>T, p.Asn35= (NM_001193493.2, NM_001348406.2, NM_001348407.2).
Identifiers: ClinVar variation 747146 (VCV000747146.27), dbSNP rs200543536, ClinGen allele CA1685966.